The following is an entry in ClinVar:

NM_058172.6(ANTXR2):c.-590A>T

Gene: ANTXR2 (ANTXR cell adhesion molecule 2; minus strand). Cytogenetic location: 4q21.21.
Variant type: single nucleotide variant.
Coding change: c.-590A>T on transcript NM_058172.6 (MANE Select); 590 bases upstream of the start codon, A replaced by T.
Molecular consequence: 5 prime UTR variant. On other transcripts: intron variant (1).
Genome position (GRCh38, 1-based): chr4:80,073,150, T>A on the plus strand (A>T on the coding strand, the complement: ANTXR2 is on the minus strand). VCF-style: chr4-80073150-T-A. GRCh37 (hg19) VCF-style: chr4-80994304-T-A.
Other names: c.-590A>T (NM_001145794.2); c.-521A>T (NM_001286781.2); c.-80+245A>T (NM_001286780.2).
Identifiers: ClinVar variation 349902 (VCV000349902.8), dbSNP rs142313419, ClinGen allele CA10621823.

ClinVar aggregate classification (germline): Benign/Likely benign. Review status: criteria provided, multiple submitters, no conflicts (2 of 4 stars). 2 submissions from 2 submitters: Benign (1); Likely benign (1). Last evaluated 2020-09-18.

Conditions:
Hyaline fibromatosis syndrome (HFS). Also called: Hyalinosis, Inherited Systemic; HYALINOSIS, SYSTEMIC. Identifiers: Orphanet 2028, Orphanet 498474, MedGen C5574677, MONDO:0009229, OMIM 228600.

Allele frequency attached by ClinVar (database versions not stated): gnomAD exomes 0.00213; gnomAD 0.01426 and 0.01544; TOPMed 0.01593; 1000 Genomes Project 0.01697; 1000 Genomes Project 30x 0.01952.
gnomAD v4.1: 2,149 of 152,708 alleles (1.4%); highest among the groups gnomAD compares: African/African-American, 4.9%; 41 homozygotes.

Submissions (2):

GeneDx
Classification: Likely benign. Last evaluated: 2020-09-18. Review status: criteria provided, single submitter. Criteria: GeneDx Variant Classification Process June 2021. Collection method: clinical testing. Allele origin: germline. Affected: yes.

Illumina Laboratory Services, Illumina
Classification: Benign for Hyaline fibromatosis syndrome. Last evaluated: 2018-01-13. Review status: criteria provided, single submitter. Criteria: ICSL Variant Classification Criteria 13 December 2019. Collection method: clinical testing. Allele origin: germline.
Comment: This variant was observed in the ICSL laboratory as part of a predisposition screen in an ostensibly healthy population. It had not been previously curated by ICSL or reported in the Human Gene Mutation Database (HGMD: prior to June 1st, 2018), and was therefore a candidate for classification through an automated scoring system. Utilizing variant allele frequency, disease prevalence and penetrance estimates, and inheritance mode, an automated score was calculated to assess if this variant is too frequent to cause the disease. Based on the score and internal cut-off values, a variant classified as benign is not then subjected to further curation. The score for this variant resulted in a classification of benign for this disease.